The following is an entry in ClinVar:

NM_003126.4(SPTA1):c.3149C>T (p.Pro1050Leu)

Gene: SPTA1 (spectrin alpha, erythrocytic 1; minus strand). Cytogenetic location: 1q23.1.
Variant type: single nucleotide variant.
Coding change: c.3149C>T on transcript NM_003126.4 (MANE Select); coding-DNA position 3149, C replaced by T.
Protein change: p.Pro1050Leu; replaces proline 1050 with leucine.
Molecular consequence: missense variant.
Genome position (GRCh38, 1-based): chr1:158,653,313, G>A on the plus strand (C>T on the coding strand, the complement: SPTA1 is on the minus strand). VCF-style: chr1-158653313-G-A. GRCh37 (hg19) VCF-style: chr1-158623103-G-A.
Other names: short protein forms P1050L.
Identifiers: ClinVar variation 293002 (VCV000293002.25), dbSNP rs116297260, ClinGen allele CA1183159.

ClinVar aggregate classification (germline): Conflicting classifications of pathogenicity. Review status: criteria provided, conflicting classifications (1 of 4 stars). 6 submissions from 4 submitters: Uncertain significance (2); Benign (3); Likely benign (1). Last evaluated 2026-01-18.

Conditions:
Pyropoikilocytosis, hereditary. Also called: Pyropoikilocytosis. Identifiers: MedGen C0520739, MONDO:0009948, OMIM 266140, HP:0004839. Disease mechanism: loss of function.
Hereditary spherocytosis type 3. Also called: Spherocytosis type 3; SPTA1-Related Spherocytosis. Identifiers: Orphanet 822, MedGen C2678338, MONDO:0010053, OMIM 270970.
Elliptocytosis 2 (EL2). Also called: ELLIPTOCYTOSIS, RHESUS-UNLINKED TYPE. Identifiers: Orphanet 288, MedGen C1851741, MONDO:0007533, OMIM 130600.

Allele frequency attached by ClinVar (database versions not stated): gnomAD exomes 0.00061 and 0.00160; ExAC 0.00195; gnomAD 0.00636 and 0.00678; ESP Exome Variant Server 0.00658; TOPMed 0.00708; 1000 Genomes Project 0.00799; 1000 Genomes Project 30x 0.00874.
gnomAD v4.1: 1,904 of 1,614,086 alleles (0.12%); highest among the groups gnomAD compares: African/African-American, 2.2%; 17 homozygotes.

Submissions (6):

Labcorp Genetics (formerly Invitae), Labcorp
Classification: Benign. Last evaluated: 2026-01-18. Review status: criteria provided, single submitter. Criteria: Invitae Variant Classification Sherloc (09022015). Collection method: clinical testing. Allele origin: germline.

ARUP Laboratories, Molecular Genetics and Genomics, ARUP Laboratories
Classification: Benign. Last evaluated: 2025-07-24. Review status: criteria provided, single submitter. Criteria: ARUP Molecular Germline Variant Investigation Process 2024. Collection method: clinical testing. Allele origin: germline.

Mayo Clinic Laboratories, Mayo Clinic
Classification: Likely benign. Last evaluated: 2025-04-09. Review status: criteria provided, single submitter. Criteria: ACMG Guidelines, 2015. Collection method: clinical testing. Allele origin: germline. Observed: 9 variant alleles.
Comment: BS1, BS2, BP4_moderate

Illumina Laboratory Services, Illumina
Classification: Benign for Elliptocytosis 2. Last evaluated: 2018-01-12. Review status: criteria provided, single submitter. Criteria: ICSL Variant Classification Criteria 13 December 2019. Collection method: clinical testing. Allele origin: germline.
Comment: This variant was observed in the ICSL laboratory as part of a predisposition screen in an ostensibly healthy population. It had not been previously curated by ICSL or reported in the Human Gene Mutation Database (HGMD: prior to June 1st, 2018), and was therefore a candidate for classification through an automated scoring system. Utilizing variant allele frequency, disease prevalence and penetrance estimates, and inheritance mode, an automated score was calculated to assess if this variant is too frequent to cause the disease. Based on the score and internal cut-off values, a variant classified as benign is not then subjected to further curation. The score for this variant resulted in a classification of benign for this disease.

Illumina Laboratory Services, Illumina
Classification: Uncertain significance for Hereditary spherocytosis type 3. Last evaluated: 2018-01-12. Review status: criteria provided, single submitter. Criteria: ICSL Variant Classification Criteria 13 December 2019. Collection method: clinical testing. Allele origin: germline.

Illumina Laboratory Services, Illumina
Classification: Uncertain significance for Pyropoikilocytosis, hereditary. Last evaluated: 2018-01-12. Review status: criteria provided, single submitter. Criteria: ICSL Variant Classification Criteria 13 December 2019. Collection method: clinical testing. Allele origin: germline.